The following is an entry in ClinVar:

NM_000059.4(BRCA2):c.8215G>A (p.Val2739Ile)

Gene: BRCA2 (BRCA2 DNA repair associated; plus strand). Cytogenetic location: 13q13.1.
Variant type: single nucleotide variant.
Coding change: c.8215G>A on transcript NM_000059.4 (MANE Select); coding-DNA position 8215, G replaced by A.
Protein change: p.Val2739Ile; replaces valine 2739 with isoleucine.
Molecular consequence: missense variant.
Genome position (GRCh38, 1-based): chr13:32,363,417, G>A. VCF-style: chr13-32363417-G-A. GRCh37 (hg19) VCF-style: chr13-32937554-G-A.
Other names: 8443G>A; short protein forms V2739I.
Identifiers: ClinVar variation 52529 (VCV000052529.43), dbSNP rs80359069, ClinGen allele CA025521.

ClinVar aggregate classification (germline): Conflicting classifications of pathogenicity. Review status: criteria provided, conflicting classifications (1 of 4 stars). 22 submissions from 21 submitters: Uncertain significance (4); Benign (2); Likely benign (10). 6 of the submissions do not count toward it. Last evaluated 2026-10-15.

Conditions:
Inherited breast cancer and ovarian cancer.
BRCA2-related disorder. Also called: BRCA2-related condition; BRCA2-related disorders. Identifiers: MedGen CN239275.
Breast and/or ovarian cancer. Identifiers: MedGen CN221562.
Hereditary cancer-predisposing syndrome. Also called: Hereditary Cancer Syndrome; Neoplastic Syndromes, Hereditary; Hereditary neoplastic syndrome; Tumor predisposition. Identifiers: Orphanet 140162, MedGen C0027672, MeSH D009386, MONDO:0015356.
Hereditary breast ovarian cancer syndrome. Also called: Breast and ovarian cancer; Hereditary breast and ovarian cancer syndrome; Hereditary breast and ovarian cancer syndrome (HBOC); BRCA1- and BRCA2-Associated Hereditary Breast and Ovarian Cancer; Hereditary breast and ovarian cancer; Hereditary breast and/or ovarian cancer syndrome. Identifiers: Orphanet 145, MedGen C0677776, MeSH D061325, MONDO:0003582. Disease mechanism: loss of function.
Fanconi anemia complementation group D1. Also called: BRCA2-Related Fanconi Anemia. Identifiers: Orphanet 319462, MedGen C1838457, MONDO:0011584, OMIM 605724.
Breast-ovarian cancer, familial, susceptibility to, 2 (BROVCA2). Also called: BRCA2 Hereditary Breast and Ovarian Cancer. Identifiers: Orphanet 145, MedGen C2675520, MONDO:0012933, OMIM 612555. Disease mechanism: loss of function.
Malignant tumor of breast. Also called: Malignant breast neoplasm; Cancer breast. Identifiers: MedGen C0006142, MONDO:0007254. Disease mechanism: loss of function.

Allele frequency attached by ClinVar (database versions not stated): TOPMed 0.00004; gnomAD 0.00009.
gnomAD v4.1: 31 of 1,614,052 alleles (0.0019%); highest among the groups gnomAD compares: Admixed American, 0.022%; no homozygotes.

Submissions 1 to 17 of 22:

Cambridge Genomics Laboratory, East Genomic Laboratory Hub, NHS Genomic Medicine Service
Classification: Likely benign for Inherited breast cancer and ovarian cancer. Last evaluated: 2026-10-15. Review status: criteria provided, single submitter. Criteria: ACGS Best Practice Guidelines for Variant Classification in Rare Disease 2020. Collection method: clinical testing. Allele origin: germline. Affected: yes.
Comment: PS4_Supporting,PP4,BS3_Strong,BP4

Labcorp Genetics (formerly Invitae), Labcorp
Classification: Benign for Hereditary breast ovarian cancer syndrome. Last evaluated: 2026-02-04. Review status: criteria provided, single submitter. Criteria: Invitae Variant Classification Sherloc (09022015). Collection method: clinical testing. Allele origin: germline.

PreventionGenetics, part of Exact Sciences
Classification: Likely benign for BRCA2-related condition. Last evaluated: 2025-03-04. Review status: criteria provided, single submitter. Criteria: ACMG Guidelines, 2015. Collection method: clinical testing. Allele origin: germline.
Comment: This variant is classified as likely benign based on ACMG/AMP sequence variant interpretation guidelines (Richards et al. 2015 PMID: 25741868, with internal and published modifications).

ARUP Laboratories, Molecular Genetics and Genomics, ARUP Laboratories
Classification: Likely benign. Last evaluated: 2024-12-12. Review status: criteria provided, single submitter. Criteria: ARUP Molecular Germline Variant Investigation Process 2024. Collection method: clinical testing. Allele origin: germline.

Blueprint Genetics
Classification: Likely benign. Last evaluated: 2024-11-01. Review status: criteria provided, single submitter. Criteria: ACMG Guidelines, 2015. Collection method: clinical testing. Allele origin: germline.

CHEO Genetics Diagnostic Laboratory, Children's Hospital of Eastern Ontario
Classification: Likely benign for Breast and/or ovarian cancer. Last evaluated: 2022-05-03. Review status: criteria provided, single submitter. Criteria: ACMG Guidelines, 2015. Collection method: clinical testing. Allele origin: germline.

Sema4
Classification: Uncertain significance for Hereditary cancer-predisposing syndrome. Last evaluated: 2021-12-17. Review status: criteria provided, single submitter. Criteria: Sema4 Curation Guidelines. Collection method: curation. Allele origin: germline.
Comment: The BRCA2 c.8215G>A p.V2739I variant has been reported in heterozygosity in at least several individuals with breast and/or ovarian cancer (PMID: 21218378, 25186627, 25556971, 25682074, 33471991). Functional studies have shown that this variant does not impact homology directed repair or cell rescue when exposed to DNA damaging agents (PMID: 19043619, 33293522). It was not observed in the large and broad cohorts of the Genome Aggregation Database. The variant has been reported in ClinVar (Variation ID 52529). In silico predictions of the variant's effect on protein function are inconclusive. The evidence is insufficient to meet ACMG/AMP criteria for classifying the variant as benign or pathogenic. Thus, the clinical significance of this variant is currently uncertain.

GeneDx
Classification: Likely benign. Last evaluated: 2021-09-20. Review status: criteria provided, single submitter. Criteria: GeneDx Variant Classification Process June 2021. Collection method: clinical testing. Allele origin: germline. Affected: yes.
Comment: This variant is associated with the following publications: (PMID: 24094589, 26580448, 26689913, 25348012, 21702907, 19043619, 21218378, 25682074, 25556971)

Women's Health and Genetics/Laboratory Corporation of America, LabCorp
Classification: Benign. Last evaluated: 2021-04-02. Review status: criteria provided, single submitter. Criteria: LabCorp Variant Classification Summary - May 2015. Collection method: clinical testing. Allele origin: germline.
Comment: Variant summary: BRCA2 c.8215G>A (p.Val2739Ile) results in a conservative amino acid change located in the OB1 domain (IPR015187) of the encoded protein sequence. Five of five in-silico tools predict a benign effect of the variant on protein function. The variant was absent in 249656 control chromosomes. The available data on variant occurrences in the general population are insufficient to allow any conclusion about variant significance. c.8215G>A, has been reported in the literature in individuals affected with Hereditary Breast and Ovarian Cancer without strong evidence for pathogenicity (Carney_2010, Trujillano_2015, Wong-Brown_2015, Tung_2015). These reports do not provide unequivocal conclusions about association of the variant with Hereditary Breast and Ovarian Cancer. Co-occurrences with other pathogenic variant(s) have been reported in the BIC database and observed at our laboratory (BRCA2 c.6486_6489delACAA , p.Lys2162fsX5 at our laboratory; BRCA1 c.81-2delA in BIC database), providing supporting evidence for a benign role. At least two publications report experimental evidence evaluating an impact on protein function. These results showed no damaging effect of this variant on homology directed repair activity and in a mouse embryonic stem cell-based cell survival plus drug sensitivity assay (Karchin_2008, Biswas_2020). Eleven clinical diagnostic laboratories have submitted clinical-significance assessments for this variant to ClinVar after 2014 without evidence for independent evaluation. Multiple laboratories reported the variant with conflicting assessments (likely benign/benign, n=6; VUS, n=5). Some submitters cite overlapping evidence utilized in the context of this evaluation. Based on the evidence outlined above, the variant was classified as benign.

Quest Diagnostics Nichols Institute San Juan Capistrano
Classification: Likely benign. Last evaluated: 2020-02-18. Review status: criteria provided, single submitter. Criteria: Quest Diagnostics criteria. Collection method: clinical testing. Allele origin: unknown.

Baylor Genetics
Classification: Uncertain significance for Breast-ovarian cancer, familial, susceptibility to, 2. Last evaluated: 2019-04-13. Review status: criteria provided, single submitter. Criteria: ACMG Guidelines, 2015. Collection method: clinical testing. Allele origin: unknown. Affected: yes. Study: CSER-TexasKidsCanSeq.
Comment: This variant was determined to be of uncertain significance according to ACMG Guidelines, 2015 [PMID:25741868]. This variant has been previously reported as a patient with breast or ovarian cancer [PMID 25556971]

Ambry Genetics
Classification: Likely benign for Hereditary cancer-predisposing syndrome. Last evaluated: 2018-10-05. Review status: criteria provided, single submitter. Criteria: Ambry Variant Classification Scheme 2023. Collection method: clinical testing. Allele origin: germline.

Illumina Laboratory Services, Illumina
Classification: Uncertain significance for Breast-ovarian cancer, familial, susceptibility to, 2. Last evaluated: 2017-12-19. Review status: criteria provided, single submitter. Criteria: ICSL Variant Classification Criteria 13 December 2019. Collection method: clinical testing. Allele origin: germline.
Comment: This variant was observed as part of a predisposition screen in an ostensibly healthy population. A literature search was performed for the gene, cDNA change, and amino acid change (where applicable). Publications were found based on this search. However, the evidence from the literature, in combination with allele frequency data from public databases where available, was not sufficient to rule this variant in or out of causing disease. Therefore, this variant is classified as a variant of unknown significance.

Illumina Laboratory Services, Illumina
Classification: Uncertain significance for Fanconi anemia complementation group D1. Last evaluated: 2017-04-28. Review status: criteria provided, single submitter. Criteria: ICSL Variant Classification Criteria 13 December 2019. Collection method: clinical testing. Allele origin: germline.

Clinical Genetics DNA and cytogenetics Diagnostics Lab, Erasmus MC, Erasmus Medical Center
Classification: Likely benign for Breast-ovarian cancer, familial, susceptibility to, 2. Last evaluated: 2015-09-21. Review status: criteria provided, single submitter. Criteria: ACGS Guidelines, 2013. Collection method: clinical testing. Allele origin: germline. Affected: yes. Study: VKGL Data-share Consensus.

Color Diagnostics, LLC DBA Color Health
Classification: Likely benign for Hereditary cancer-predisposing syndrome. Last evaluated: 2015-07-23. Review status: criteria provided, single submitter. Criteria: ACMG Guidelines, 2015. Collection method: clinical testing. Allele origin: germline.

Counsyl
Classification: Uncertain significance for Breast-ovarian cancer, familial, susceptibility to, 2. Last evaluated: 2017-09-08. Review status: no assertion criteria provided. Collection method: clinical testing. Allele origin: unknown. Not counted in ClinVar's aggregate classification.